The following is an entry in ClinVar:

NM_001261826.3(AP3D1):c.3087C>G (p.Ser1029Arg)

Gene: AP3D1 (adaptor related protein complex 3 subunit delta 1; minus strand). Cytogenetic location: 19p13.3.
Variant type: single nucleotide variant.
Coding change: c.3087C>G on transcript NM_001261826.3 (MANE Select); coding-DNA position 3087, C replaced by G.
Protein change: p.Ser1029Arg; replaces serine 1029 with arginine.
Molecular consequence: missense variant.
Genome position (GRCh38, 1-based): chr19:2,110,795, G>C on the plus strand (C>G on the coding strand, the complement: AP3D1 is on the minus strand). VCF-style: chr19-2110795-G-C. GRCh37 (hg19) VCF-style: chr19-2110794-G-C.
Other names: c.2901C>G (NM_003938.5); c.3051C>G, p.Ser1017Arg (NM_001374799.1); c.2901C>G, p.Ser967Arg (NM_003938.8); short protein forms S967R, S1017R, S1029R.
Identifiers: ClinVar variation 1436943 (VCV001436943.7), dbSNP rs200189042, ClinGen allele CA9058574.

ClinVar aggregate classification (germline): Uncertain significance. Review status: criteria provided, multiple submitters, no conflicts (2 of 4 stars). 2 submissions from 2 submitters: Uncertain significance (2). Last evaluated 2026-01-13.

Conditions:
Inborn genetic diseases. Identifiers: MedGen C0950123, MeSH D030342.

gnomAD v4.1: 132 of 1,613,338 alleles (0.0082%); highest among the groups gnomAD compares: Non-Finnish European, 0.0097%; no homozygotes.

Submissions (2):

Labcorp Genetics (formerly Invitae), Labcorp
Classification: Uncertain significance. Last evaluated: 2026-01-13. Review status: criteria provided, single submitter. Criteria: Invitae Variant Classification Sherloc (09022015). Collection method: clinical testing. Allele origin: germline.
Comment: This sequence change replaces serine, which is neutral and polar, with arginine, which is basic and polar, at codon 1029 of the AP3D1 protein (p.Ser1029Arg). This variant is present in population databases (rs200189042, gnomAD 0.02%). This variant has not been reported in the literature in individuals affected with AP3D1-related conditions. ClinVar contains an entry for this variant (Variation ID: 1436943). An algorithm developed to predict the effect of missense changes on protein structure and function (PolyPhen-2) suggests that this variant is likely to be tolerated. In summary, the available evidence is currently insufficient to determine the role of this variant in disease. Therefore, it has been classified as a Variant of Uncertain Significance.

Ambry Genetics
Classification: Uncertain significance for Inborn genetic diseases. Last evaluated: 2021-07-09. Review status: criteria provided, single submitter. Criteria: Ambry Variant Classification Scheme 2023. Collection method: clinical testing. Allele origin: germline.